The following is an entry in ClinVar:

ClinVar aggregate classification (germline): Likely pathogenic (1 of 4 stars; one submission).

Conditions:
Pseudohypoaldosteronism, type IB1, autosomal recessive. Also called: Pseudohypoaldosteronism, Type I, Autosomal Recessive; PHA I, AUTOSOMAL RECESSIVE; Autosomal recessive pseudohypoaldosteronism type 1; Pseudohypoaldosteronism, Type I, Recessive. Identifiers: Orphanet 171876, Orphanet 756, MedGen C5774176, MONDO:0009917, OMIM 264350.

Submission:

First Genomix Gene Laboratory, Genetic Diagnostics Department
Classification: Likely pathogenic for Pseudohypoaldosteronism, type IB1, autosomal recessive. Last evaluated: 2025-03-13. Review status: criteria provided, single submitter. Criteria: ACMG Guidelines, 2015. Collection method: clinical testing. Allele origin: germline. Inheritance: Autosomal recessive inheritance. Affected: no. Observed: 1 variant allele.

NM_001038.6(SCNN1A):c.-54-1G>A

Gene: SCNN1A (sodium channel epithelial 1 subunit alpha; minus strand). Cytogenetic location: 12p13.31.
Variant type: single nucleotide variant.
Coding change: c.-54-1G>A on transcript NM_001038.6 (MANE Select); the canonical splice acceptor site of the intron before 54 bases upstream of the start codon, G replaced by A.
Molecular consequence: splice acceptor variant. On other transcripts: synonymous variant (1).
Genome position (GRCh38, 1-based): chr12:6,374,838, C>T on the plus strand (G>A on the coding strand, the complement: SCNN1A is on the minus strand). VCF-style: chr12-6374838-C-T. GRCh37 (hg19) VCF-style: chr12-6484004-C-T.
Other names: c.123G>A, p.Lys41= (NM_001159576.2); c.16-1G>A (NM_001159575.2).
Identifiers: ClinVar variation 4845817 (VCV004845817.1).